The following is an entry in ClinVar:

NM_001142800.2(EYS):c.5054C>T (p.Ser1685Leu)

Gene: EYS (eyes shut homolog; minus strand). Cytogenetic location: 6q12.
Variant type: single nucleotide variant.
Coding change: c.5054C>T on transcript NM_001142800.2 (MANE Select); coding-DNA position 5054, C replaced by T.
Protein change: p.Ser1685Leu; replaces serine 1685 with leucine.
Molecular consequence: missense variant.
Genome position (GRCh38, 1-based): chr6:64,590,813, G>A on the plus strand (C>T on the coding strand, the complement: EYS is on the minus strand). VCF-style: chr6-64590813-G-A. GRCh37 (hg19) VCF-style: chr6-65300706-G-A.
Other names: c.5054C>T, p.Ser1685Leu (NM_001292009.2); short protein forms S1685L.
Identifiers: ClinVar variation 1969924 (VCV001969924.2), dbSNP rs1293996279, ClinGen allele CA364781956.

ClinVar aggregate classification (germline): Uncertain significance (1 of 4 stars; one submission).

gnomAD v4.1: 1 of 1,549,748 alleles (0.000065%); highest among the groups gnomAD compares: Non-Finnish European, 0.000087%; no homozygotes.

Submission:

Labcorp Genetics (formerly Invitae), Labcorp
Classification: Uncertain significance. Last evaluated: 2022-07-02. Review status: criteria provided, single submitter. Criteria: Invitae Variant Classification Sherloc (09022015). Collection method: clinical testing. Allele origin: germline.
Comment: This sequence change replaces serine, which is neutral and polar, with leucine, which is neutral and non-polar, at codon 1685 of the EYS protein (p.Ser1685Leu). This variant is not present in population databases (gnomAD no frequency). This variant has not been reported in the literature in individuals affected with EYS-related conditions. Algorithms developed to predict the effect of missense changes on protein structure and function output the following: SIFT: "Tolerated"; PolyPhen-2: "Benign"; Align-GVGD: "Class C0". The leucine amino acid residue is found in multiple mammalian species, which suggests that this missense change does not adversely affect protein function. In summary, the available evidence is currently insufficient to determine the role of this variant in disease. Therefore, it has been classified as a Variant of Uncertain Significance.